The following is an entry in ClinVar:

NM_013262.4(MYLIP):c.1141C>A (p.Leu381Met)

Gene: MYLIP (myosin regulatory light chain interacting protein; plus strand). Cytogenetic location: 6p22.3.
Variant type: single nucleotide variant.
Coding change: c.1141C>A on transcript NM_013262.4 (MANE Select); coding-DNA position 1141, C replaced by A.
Protein change: p.Leu381Met; replaces leucine 381 with methionine.
Molecular consequence: missense variant.
Genome position (GRCh38, 1-based): chr6:16,145,210, C>A. VCF-style: chr6-16145210-C-A. GRCh37 (hg19) VCF-style: chr6-16145441-C-A.
Other names: short protein forms L381M.
Identifiers: ClinVar variation 3675609 (VCV003675609.2).

ClinVar aggregate classification (germline): Uncertain significance (1 of 4 stars; one submission).

Submission:

Labcorp Genetics (formerly Invitae), Labcorp
Classification: Uncertain significance. Last evaluated: 2024-10-02. Review status: criteria provided, single submitter. Criteria: Invitae Variant Classification Sherloc (09022015). Collection method: clinical testing. Allele origin: germline.
Comment: This sequence change replaces leucine, which is neutral and non-polar, with methionine, which is neutral and non-polar, at codon 381 of the MYLIP protein (p.Leu381Met). This variant is present in population databases (no rsID available, gnomAD 0.0009%). This variant has not been reported in the literature in individuals affected with MYLIP-related conditions. An algorithm developed to predict the effect of missense changes on protein structure and function (PolyPhen-2) suggests that this variant is likely to be disruptive. In summary, the available evidence is currently insufficient to determine the role of this variant in disease. Therefore, it has been classified as a Variant of Uncertain Significance.